The following is an entry in ClinVar:

ClinVar aggregate classification (germline): Likely benign (1 of 4 stars; one submission).

Conditions:
IFT74-related disorder. Also called: IFT74-related condition; IFT74-Related Disorders.

gnomAD v4.1: 1 of 1,575,618 alleles (0.000063%); highest among the groups gnomAD compares: Admixed American, 0.0017%; no homozygotes.

Submission:

PreventionGenetics, part of Exact Sciences
Classification: Likely benign for IFT74-related condition. Last evaluated: 2026-08-17. Review status: criteria provided, single submitter. Criteria: ACMG Guidelines, 2015. Collection method: clinical testing. Allele origin: germline.
Comment: This variant is classified as likely benign based on ACMG/AMP sequence variant interpretation guidelines (Richards et al. 2015 PMID: 25741868, with internal and published modifications).

NM_025103.4(IFT74):c.305+4T>G

Gene: IFT74 (intraflagellar transport 74; plus strand). Cytogenetic location: 9p21.2.
Variant type: single nucleotide variant.
Coding change: c.305+4T>G on transcript NM_025103.4 (MANE Select); 4 bases into the intron after coding-DNA position 305, T replaced by G.
Molecular consequence: intron variant.
Genome position (GRCh38, 1-based): chr9:26,980,623, T>G. VCF-style: chr9-26980623-T-G. GRCh37 (hg19) VCF-style: chr9-26980621-T-G.
Other names: c.305+4T>G (NM_001099223.3, NM_001099222.3, NM_001349928.2 and 1 more transcripts).
Identifiers: ClinVar variation 4986072 (VCV004986072.1).